The following is an entry in ClinVar:

NM_021813.4(BACH2):c.1378G>A (p.Glu460Lys)

Gene: BACH2 (BACH transcriptional regulator 2; minus strand). Cytogenetic location: 6q15.
Variant type: single nucleotide variant.
Coding change: c.1378G>A on transcript NM_021813.4 (MANE Select); coding-DNA position 1378, G replaced by A.
Protein change: p.Glu460Lys; replaces glutamic acid 460 with lysine.
Molecular consequence: missense variant.
Genome position (GRCh38, 1-based): chr6:89,950,728, C>T on the plus strand (G>A on the coding strand, the complement: BACH2 is on the minus strand). VCF-style: chr6-89950728-C-T. GRCh37 (hg19) VCF-style: chr6-90660447-C-T.
Other names: c.1378G>A, p.Glu460Lys (NM_001170794.2); short protein forms E460K.
Identifiers: ClinVar variation 4745091 (VCV004745091.1).

ClinVar aggregate classification (germline): Uncertain significance (1 of 4 stars; one submission).

Submission:

Labcorp Genetics (formerly Invitae), Labcorp
Classification: Uncertain significance. Last evaluated: 2025-10-14. Review status: criteria provided, single submitter. Criteria: Invitae Variant Classification Sherloc (09022015). Collection method: clinical testing. Allele origin: germline.
Comment: This sequence change replaces glutamic acid, which is acidic and polar, with lysine, which is basic and polar, at codon 460 of the BACH2 protein (p.Glu460Lys). This variant is not present in population databases (gnomAD no frequency). This variant has not been reported in the literature in individuals affected with BACH2-related conditions. Invitae Evidence Modeling of protein sequence and biophysical properties (such as structural, functional, and spatial information, amino acid conservation, physicochemical variation, residue mobility, and thermodynamic stability) indicates that this missense variant is not expected to disrupt BACH2 protein function with a negative predictive value of 80%. In summary, the available evidence is currently insufficient to determine the role of this variant in disease. Therefore, it has been classified as a Variant of Uncertain Significance.